The following is an entry in ClinVar:

NM_003611.3(OFD1):c.829-280del

Gene: OFD1 (OFD1 centriole and centriolar satellite protein; plus strand). Cytogenetic location: Xp22.2.
Variant type: Deletion.
Coding change: c.829-280del on transcript NM_003611.3 (MANE Select); 280 bases into the intron before coding-DNA position 829, one base deleted (T; older notation c.829-280delT).
Molecular consequence: intron variant.
Genome position (GRCh38, 1-based): chrX:13,749,147, T deleted; the last of 7 consecutive T bases (chrX:13,749,141-13,749,147); deleting any one gives the same sequence. VCF-style (leftmost placement, unchanged base first): chrX-13749140-AT-A. GRCh37 (hg19) VCF-style: chrX-13767259-AT-A.
Other names: c.409-280del (NM_001330210.2); c.829-280del (NM_001330209.2).
Identifiers: ClinVar variation 681013 (VCV000681013.1), dbSNP rs57776230, ClinGen allele CA326116066.

ClinVar aggregate classification (germline): Benign (1 of 4 stars; one submission).

Submission:

GeneDx
Classification: Benign. Last evaluated: 2018-06-16. Review status: criteria provided, single submitter. Criteria: GeneDx Variant Classification (06012015). Collection method: clinical testing. Allele origin: germline. Affected: yes.
Comment: This variant is considered likely benign or benign based on one or more of the following criteria: it is a conservative change, it occurs at a poorly conserved position in the protein, it is predicted to be benign by multiple in silico algorithms, and/or has population frequency not consistent with disease.